The following is an entry in ClinVar:

NM_175914.5(HNF4A):c.322G>T (p.Val108Phe)

Gene: HNF4A (hepatocyte nuclear factor 4 alpha; plus strand). Cytogenetic location: 20q13.12.
Variant type: single nucleotide variant.
Coding change: c.322G>T on transcript NM_175914.5 (MANE Select); coding-DNA position 322, G replaced by T.
Protein change: p.Val108Phe; replaces valine 108 with phenylalanine.
Molecular consequence: missense variant.
Genome position (GRCh38, 1-based): chr20:44,413,696, G>T. VCF-style: chr20-44413696-G-T. GRCh37 (hg19) VCF-style: chr20-43042336-G-T.
Other names: NM_175914.5:c.322G>T; c.388G>T, p.Val130Phe (NM_000457.6, NM_178849.3, NM_178850.3); c.322G>T, p.Val108Phe (NM_001030003.3, NM_001030004.3); c.367G>T, p.Val123Phe (NM_001258355.2); c.313G>T, p.Val105Phe (NM_001287182.2, NM_001287183.2, NM_001287184.2); short protein forms V105F, V108F, V123F, V130F.
Identifiers: ClinVar variation 3370455 (VCV003370455.1).

ClinVar aggregate classification (germline): Uncertain significance (3 of 4 stars; one submission).

Conditions:
Monogenic diabetes. Identifiers: Orphanet 183625, MedGen C3888631, MONDO:0015967.

Submission:

ClinGen Monogenic Diabetes Variant Curation Expert Panel
Classification: Uncertain significance for Monogenic diabetes. Last evaluated: 2024-10-14. Review status: reviewed by expert panel. Criteria: ClinGen Diabetes ACMG Specifications HNF4A V2.0.0. Collection method: curation. Allele origin: germline. Inheritance: Autosomal dominant inheritance.
Comment: The c.322G>T variant in the hepatocyte nuclear factor 4 alpha gene, HNF4A, causes an amino acid change of valine to phenylalanine at codon 108 (p.(Val108Phe)) of NM_175914.5. This variant is located within the DNA binding domain (codons 37-113) of HNF4A, which is defined as critical for the protein's function by the ClinGen MDEP (PM1_Supporting). This variant is predicted to be deleterious by computational evidence, with a REVEL score of 0.957, which is greater than the MDEP VCEP threshold of 0.70 (PP3). Additionally, it is absent from gnomAD v2.1.1 (PM2_Supporting). Another missense variant, c.322G>A, p.(Val108Ile), has been interpreted as pathogenic by the ClinGen MDEP, and has a lower Grantham distance than p.(Val108Phe) (PM5). In summary, c.322G>T meets the criteria to be classified as a variant of uncertain significance for monogenic diabetes. ACMG/AMP criteria applied, as specified by the ClinGen MDEP VCEP (specification version 2.0.0, approved 10/11/2023): PM1_Supporting, PP3, PM2_Supporting, PM5.